The following is an entry in ClinVar:

ClinVar aggregate classification (germline): Uncertain significance. Review status: criteria provided, multiple submitters, no conflicts (2 of 4 stars). 2 submissions from 2 submitters: Uncertain significance (2). Last evaluated 2019-12-21.

Conditions:
Cardiovascular phenotype. Identifiers: MedGen CN230736.
Long QT syndrome (LQTS). Identifiers: MedGen C0023976, MeSH D008133, MONDO:0002442. Disease mechanism: loss of function. Inheritance: Various modes of inheritance.

Allele frequency attached by ClinVar (database versions not stated): gnomAD exomes below 0.00001; TOPMed 0.00001.
gnomAD v4.1: 1 of 1,614,176 alleles (0.000062%); highest among the groups gnomAD compares: Non-Finnish European, 0.000085%; no homozygotes.

Submissions (2):

Ambry Genetics
Classification: Uncertain significance for Cardiovascular phenotype. Last evaluated: 2019-12-21. Review status: criteria provided, single submitter. Criteria: Ambry Variant Classification Scheme 2023. Collection method: clinical testing. Allele origin: germline.
Comment: The p.N3955D variant (also known as c.11863A>G), located in coding exon 46 of the ANK2 gene, results from an A to G substitution at nucleotide position 11863. The asparagine at codon 3955 is replaced by aspartic acid, an amino acid with highly similar properties. This amino acid position is not well conserved in available vertebrate species, and aspartic acid is the reference amino acid in other vertebrate species. In addition, the in silico prediction for this alteration is inconclusive. Since supporting evidence is limited at this time, the clinical significance of this alteration remains unclear.

Labcorp Genetics (formerly Invitae), Labcorp
Classification: Uncertain significance for Long QT syndrome. Last evaluated: 2016-04-15. Review status: criteria provided, single submitter. Criteria: Invitae Variant Classification Sherloc (09022015). Collection method: clinical testing. Allele origin: germline.
Comment: This sequence change replaces asparagine with aspartic acid at codon 3955 of the ANK2 protein (p.Asn3955Asp). The asparagine residue is weakly conserved and there is a small physicochemical difference between asparagine and aspartic acid. This variant is not present in population databases (ExAC no frequency) and has not been reported in the literature in individuals with an ANK2-related disease. In summary, this variant is a novel missense change that is not predicted to affect protein function. There is no indication that it causes disease, but the available evidence is currently insufficient to prove that conclusively. Therefore, it has been classified as a Variant of Uncertain Significance. Algorithms developed to predict the effect of missense changes on protein structure and function (SIFT, PolyPhen-2, Align-GVGD) all suggest that this variant is likely to be tolerated, but these predictions have not been confirmed by published functional studies.

NM_001148.6(ANK2):c.11863A>G (p.Asn3955Asp)

Gene: ANK2 (ankyrin 2; plus strand). Cytogenetic location: 4q26.
Variant type: single nucleotide variant.
Coding change: c.11863A>G on transcript NM_001148.6 (MANE Select); coding-DNA position 11863, A replaced by G.
Protein change: p.Asn3955Asp; replaces asparagine 3955 with aspartic acid.
Molecular consequence: missense variant. On other transcripts: synonymous variant (2).
Genome position (GRCh38, 1-based): chr4:113,381,460, A>G. VCF-style: chr4-113381460-A-G. GRCh37 (hg19) VCF-style: chr4-114302616-A-G.
Other names: c.5581A>G, p.Asn1861Asp (NM_001127493.3); c.5803A>G, p.Asn1935Asp (NM_001354225.2); c.5785A>G, p.Asn1929Asp (NM_001354228.2); c.5770A>G, p.Asn1924Asp (NM_001354230.2); c.5743A>G, p.Asn1915Asp (NM_001354231.2); c.5737A>G, p.Asn1913Asp (NM_001354232.2); c.5698A>G, p.Asn1900Asp (NM_001354235.2); c.5689A>G, p.Asn1897Asp (NM_001354236.2); and 57 more; short protein forms N3955D, N1861D, N1046D, N1107D, N1775D, N1814D, N1836D, N1848D.
Identifiers: ClinVar variation 406498 (VCV000406498.7), dbSNP rs1060501165, ClinGen allele CA16611418.
Genomic context (GRCh38, chr4:113,381,460, plus strand): 5'-ACAGCTGCCCTCTGGCAGTGAAAAGAGCGTAATTCTCTCTTGTCTGCTTTTCTCCAGGAC[A>G]ACAATGAGTAAAGCCATCACACAGAAGAGGGCTGTGGTGAAGGACCAGCATGGAAAACGC-3'
Protein context (NP_001139.3, residues 3945-3957): LKSDTEQSED[Asn3955Asp]NE